The following is an entry in ClinVar:

NM_001354435.2(C4orf54):c.1962C>A (p.Ser654=)

Gene: C4orf54 (chromosome 4 open reading frame 54; minus strand). Cytogenetic location: 4q23.
Variant type: single nucleotide variant.
Coding change: c.1962C>A on transcript NM_001354435.2 (MANE Select); coding-DNA position 1962, C replaced by A.
Protein change: p.Ser654=; no amino-acid change (serine 654 retained).
Molecular consequence: synonymous variant.
Genome position (GRCh38, 1-based): chr4:99,652,687, G>T on the plus strand (C>A on the coding strand, the complement: C4orf54 is on the minus strand). VCF-style: chr4-99652687-G-T. GRCh37 (hg19) VCF-style: chr4-100573844-G-T.
Identifiers: ClinVar variation 2654974 (VCV002654974.24), dbSNP rs556190189, ClinGen allele CA3022650.

ClinVar aggregate classification (germline): Likely benign (1 of 4 stars; one submission).

Allele frequency attached by ClinVar (database versions not stated): gnomAD 0.00030; ExAC 0.00041.
gnomAD v4.1: 423 of 1,535,974 alleles (0.028%); highest among the groups gnomAD compares: Middle Eastern, 0.1%; no homozygotes.

Submission:

CeGaT Center for Human Genetics Tuebingen
Classification: Likely benign. Last evaluated: 2022-03-01. Review status: criteria provided, single submitter. Criteria: CeGaT Center For Human Genetics Tuebingen Variant Classification Criteria Version 2. Collection method: clinical testing. Allele origin: germline. Affected: yes. Observed: 1 variant allele.
Comment: C4orf54: BP4, BP7